The following is an entry in ClinVar:

NM_052844.4(DYNC2I2):c.173T>C (p.Ile58Thr)

Gene: DYNC2I2 (dynein 2 intermediate chain 2; minus strand). Cytogenetic location: 9q34.11.
Variant type: single nucleotide variant.
Coding change: c.173T>C on transcript NM_052844.4 (MANE Select); coding-DNA position 173, T replaced by C.
Protein change: p.Ile58Thr; replaces isoleucine 58 with threonine.
Molecular consequence: missense variant.
Genome position (GRCh38, 1-based): chr9:128,656,554, A>G on the plus strand (T>C on the coding strand, the complement: DYNC2I2 is on the minus strand). VCF-style: chr9-128656554-A-G. GRCh37 (hg19) VCF-style: chr9-131418833-A-G.
Other names: short protein forms I58T.
Identifiers: ClinVar variation 1681263 (VCV001681263.8), dbSNP rs763670176, ClinGen allele CA375050612.

ClinVar aggregate classification (germline): Uncertain significance (1 of 4 stars; one submission).

Conditions:
Short-rib thoracic dysplasia 11 with or without polydactyly (SRTD11). Also called: SHORT-RIB THORACIC DYSPLASIA 11 WITHOUT POLYDACTYLY. Identifiers: Orphanet 474, Orphanet 93271, MedGen C3810200, MONDO:0014287, OMIM 615633.

Submission:

Labcorp Genetics (formerly Invitae), Labcorp
Classification: Uncertain significance for Short-rib thoracic dysplasia 11 with or without polydactyly. Last evaluated: 2022-11-15. Review status: criteria provided, single submitter. Criteria: Invitae Variant Classification Sherloc (09022015). Collection method: clinical testing. Allele origin: germline.
Comment: Algorithms developed to predict the effect of missense changes on protein structure and function output the following: SIFT: "Tolerated"; PolyPhen-2: "Benign"; Align-GVGD: "Class C0". The threonine amino acid residue is found in multiple mammalian species, which suggests that this missense change does not adversely affect protein function. In summary, the available evidence is currently insufficient to determine the role of this variant in disease. Therefore, it has been classified as a Variant of Uncertain Significance. ClinVar contains an entry for this variant (Variation ID: 1681263). This variant has not been reported in the literature in individuals affected with WDR34-related conditions. This variant is not present in population databases (gnomAD no frequency). This sequence change replaces isoleucine, which is neutral and non-polar, with threonine, which is neutral and polar, at codon 58 of the WDR34 protein (p.Ile58Thr).